The following is an entry in ClinVar:

ClinVar aggregate classification (germline): Uncertain significance. Review status: criteria provided, multiple submitters, no conflicts (2 of 4 stars). 3 submissions from 3 submitters: Uncertain significance (3). Last evaluated 2023-01-20.

Conditions:
Catecholaminergic polymorphic ventricular tachycardia 1. Also called: VENTRICULAR TACHYCARDIA, CATECHOLAMINERGIC POLYMORPHIC, 1, WITH OR WITHOUT ATRIAL DYSFUNCTION AND/OR DILATED CARDIOMYOPATHY; RYR2-Related Catecholaminergic Polymorphic Ventricular Tachycardia; VENTRICULAR TACHYCARDIA, STRESS-INDUCED POLYMORPHIC 1. Identifiers: Orphanet 3286, MedGen C1631597, MONDO:0011484, OMIM 604772.
Catecholaminergic polymorphic ventricular tachycardia 5 (CARDAR). Also called: Ventricular tachycardia, catecholaminergic polymorphic, 5, with or without muscle weakness; CARDIAC ARRHYTHMIA SYNDROME, WITH OR WITHOUT SKELETAL MUSCLE WEAKNESS. Identifiers: Orphanet 3286, MedGen C3809536, MONDO:0014191, OMIM 615441.
Cardiovascular phenotype. Identifiers: MedGen CN230736.

Allele frequency attached by ClinVar (database versions not stated): gnomAD exomes below 0.00001; ExAC 0.00001; TOPMed 0.00001; gnomAD 0.00002 and 0.00003.
gnomAD v4.1: 6 of 1,613,698 alleles (0.00037%); highest among the groups gnomAD compares: African/African-American, 0.008%; no homozygotes.

Submissions (3):

Ambry Genetics
Classification: Uncertain significance for Cardiovascular phenotype. Last evaluated: 2023-01-20. Review status: criteria provided, single submitter. Criteria: Ambry Variant Classification Scheme 2023. Collection method: clinical testing. Allele origin: germline.
Comment: The p.S11F variant (also known as c.32C>T), located in coding exon 2 of the TRDN gene, results from a C to T substitution at nucleotide position 32. The serine at codon 11 is replaced by phenylalanine, an amino acid with highly dissimilar properties. This amino acid position is conserved. In addition, the in silico prediction for this alteration is inconclusive. Since supporting evidence is limited at this time, the clinical significance of this alteration remains unclear.

Labcorp Genetics (formerly Invitae), Labcorp
Classification: Uncertain significance for Catecholaminergic polymorphic ventricular tachycardia 1. Last evaluated: 2022-04-17. Review status: criteria provided, single submitter. Criteria: Invitae Variant Classification Sherloc (09022015). Collection method: clinical testing. Allele origin: germline.
Comment: This sequence change replaces serine, which is neutral and polar, with phenylalanine, which is neutral and non-polar, at codon 11 of the TRDN protein (p.Ser11Phe). This variant is present in population databases (rs760549842, gnomAD 0.01%). This variant has not been reported in the literature in individuals affected with TRDN-related conditions. Algorithms developed to predict the effect of missense changes on protein structure and function are either unavailable or do not agree on the potential impact of this missense change (SIFT: "Deleterious"; PolyPhen-2: "Not Available"; Align-GVGD: "Class C0"). In summary, the available evidence is currently insufficient to determine the role of this variant in disease. Therefore, it has been classified as a Variant of Uncertain Significance.

Fulgent Genetics
Classification: Uncertain significance for Catecholaminergic polymorphic ventricular tachycardia 1; Catecholaminergic polymorphic ventricular tachycardia 5. Last evaluated: 2021-10-14. Review status: criteria provided, single submitter. Criteria: ACMG Guidelines, 2015. Collection method: clinical testing. Allele origin: unknown.

NM_006073.4(TRDN):c.32C>T (p.Ser11Phe)

Gene: TRDN (triadin; minus strand). Cytogenetic location: 6q22.31.
Variant type: single nucleotide variant.
Coding change: c.32C>T on transcript NM_006073.4 (MANE Select); coding-DNA position 32, C replaced by T.
Protein change: p.Ser11Phe; replaces serine 11 with phenylalanine.
Molecular consequence: missense variant.
Genome position (GRCh38, 1-based): chr6:123,571,123, G>A on the plus strand (C>T on the coding strand, the complement: TRDN is on the minus strand). VCF-style: chr6-123571123-G-A. GRCh37 (hg19) VCF-style: chr6-123892268-G-A.
Other names: c.32C>T, p.Ser11Phe (NM_001251987.2, NM_001256020.2, NM_001256021.2 and 1 more transcripts); c.32C>T (NM_006073.2); short protein forms S11F.
Identifiers: ClinVar variation 1431509 (VCV001431509.9), dbSNP rs760549842, ClinGen allele CA3984490.